The following is an entry in ClinVar:

ClinVar aggregate classification (germline): Likely pathogenic (1 of 4 stars; one submission).

Submission:

ARUP Laboratories, Molecular Genetics and Genomics, ARUP Laboratories
Classification: Likely pathogenic. Last evaluated: 2020-03-09. Review status: criteria provided, single submitter. Criteria: ARUP Molecular Germline Variant Investigation Process. Collection method: clinical testing. Allele origin: germline.
Comment: The TSC2 c.2087G>T; p.Cys696Phe variant, to our knowledge, is not reported in the medical literature or gene specific databases. This variant is also absent from general population databases (Exome Variant Server, Genome Aggregation Database), indicating it is not a common polymorphism. The cysteine at codon 696 is highly conserved, and computational analyses (SIFT, PolyPhen-2) predict that this variant is deleterious. Additionally, two other variants at this codon (Cys696Arg, Cys696Tyr) are reported in individuals with TSC (Hung 2006, Jones 1999). Functional studies of the Cys696Tyr variant shows it inhibits tuberin-hamartin binding, the tuberin chaperone function and tuberin phosphorylation (Hoogeveen-Westerveld 2011, Nellist 2001). Based on available information, the p.Cys696Phe variant is considered to be likely pathogenic. REFERENCES Hoogeveen-Westerveld M et al. Functional assessment of variants in the TSC1 and TSC2 genes identified in individuals with Tuberous Sclerosis Complex. Hum Mutat. 2011 Apr;32(4):424-35. Hung CC et al. Molecular and clinical analyses of 84 patients with tuberous sclerosis complex. BMC Med Genet. 2006 Sep 18;7:72. Jones AC et al. Comprehensive mutation analysis of TSC1 and TSC2-and phenotypic correlations in 150 families with tuberous sclerosis. Am J Hum Genet. 1999 May;64(5):1305-15. Nellist M et al. TSC2 missense mutations inhibit tuberin phosphorylation and prevent formation of the tuberin-hamartin complex. Hum Mol Genet. 2001 Dec 1;10(25):2889-98.

NM_000548.5(TSC2):c.2087G>T (p.Cys696Phe)

Gene: TSC2 (TSC complex subunit 2; plus strand). Cytogenetic location: 16p13.3.
Variant type: single nucleotide variant.
Coding change: c.2087G>T on transcript NM_000548.5 (MANE Select); coding-DNA position 2087, G replaced by T.
Protein change: p.Cys696Phe; replaces cysteine 696 with phenylalanine.
Molecular consequence: missense variant.
Genome position (GRCh38, 1-based): chr16:2,071,924, G>T. VCF-style: chr16-2071924-G-T. GRCh37 (hg19) VCF-style: chr16-2121925-G-T.
Other names: c.2087G>T, p.Cys696Phe (NM_001077183.3, NM_001114382.3, NM_001363528.2 and 3 more transcripts); c.1976G>T, p.Cys659Phe (NM_001318827.2); c.1940G>T, p.Cys647Phe (NM_001318829.2); c.1487G>T, p.Cys496Phe (NM_001318831.2); c.2120G>T, p.Cys707Phe (NM_001318832.2); short protein forms C496F, C647F, C659F, C696F, C707F.
Identifiers: ClinVar variation 993650 (VCV000993650.8), dbSNP rs45486196, ClinGen allele CA394274713.
Genomic context (GRCh38, chr16:2,071,924, plus strand): 5'-GCCCCGCCGTGCGGCTGGGGTCCGTGCCCTACTCCCTGCTCTTCCGCGTCCTGCTGCAGT[G>T]CTTGAAGCAGGTGAGTGGGGCCGGGCAGGGACCATCCGTCCCACGTTGGGCCAGGAGGAC-3'
Protein context (NP_000539.2, residues 686-706): YSLLFRVLLQ[Cys696Phe]LKQESDWKVL